The following is an entry in ClinVar:

NM_000059.4(BRCA2):c.6754dup (p.Ser2252fs)

Gene: BRCA2 (BRCA2 DNA repair associated; plus strand). Cytogenetic location: 13q13.1.
Variant type: Duplication.
Coding change: c.6754dup on transcript NM_000059.4 (MANE Select); coding-DNA position 6754, one base duplicated (T; older notation c.6754dupT).
Protein change: p.Ser2252fs; shifts the reading frame from serine 2252.
Molecular consequence: frameshift variant.
Genome position (GRCh38, 1-based): chr13:32,341,109, T duplicated; the last of 2 consecutive T bases (chr13:32,341,108-32,341,109); duplicating either gives the same sequence. VCF-style (leftmost placement, unchanged base first): chr13-32341107-A-AT. GRCh37 (hg19) VCF-style: chr13-32915244-A-AT.
Other names: 6982dupT; c.6754dupT (NM_000059.3); short protein forms S2252fs.
Identifiers: ClinVar variation 52176 (VCV000052176.13), dbSNP rs180670511, ClinGen allele CA024377.

ClinVar aggregate classification (germline): Pathogenic. Review status: reviewed by expert panel (3 of 4 stars). 5 submissions from 5 submitters: Pathogenic (1). 4 of the submissions do not count toward it. Last evaluated 2016-09-08.

Conditions:
Breast and/or ovarian cancer. Identifiers: MedGen CN221562.
Hereditary breast ovarian cancer syndrome. Also called: Hereditary breast and ovarian cancer syndrome; Hereditary breast and ovarian cancer; Hereditary breast and ovarian cancer syndrome (HBOC); Breast and ovarian cancer; Hereditary breast and/or ovarian cancer syndrome; BRCA1- and BRCA2-Associated Hereditary Breast and Ovarian Cancer. Identifiers: Orphanet 145, MedGen C0677776, MeSH D061325, MONDO:0003582. Disease mechanism: loss of function.
Breast-ovarian cancer, familial, susceptibility to, 2 (BROVCA2). Also called: BRCA2 Hereditary Breast and Ovarian Cancer. Identifiers: Orphanet 145, MedGen C2675520, MONDO:0012933, OMIM 612555. Disease mechanism: loss of function.

Submissions (5):

Evidence-based Network for the Interpretation of Germline Mutant Alleles (ENIGMA)
Classification: Pathogenic for Breast-ovarian cancer, familial, susceptibility to, 2. Last evaluated: 2016-09-08. Review status: reviewed by expert panel. Criteria: ENIGMA BRCA1/2 Classification Criteria (2015). Collection method: curation. Allele origin: germline.
Comment: Variant allele predicted to encode a truncated non-functional protein.

Labcorp Genetics (formerly Invitae), Labcorp
Classification: Pathogenic for Hereditary breast ovarian cancer syndrome. Last evaluated: 2024-04-30. Review status: criteria provided, single submitter. Criteria: Invitae Variant Classification Sherloc (09022015). Collection method: clinical testing. Allele origin: germline. Not counted in ClinVar's aggregate classification.
Comment: This sequence change creates a premature translational stop signal (p.Ser2252Phefs*9) in the BRCA2 gene. It is expected to result in an absent or disrupted protein product. Loss-of-function variants in BRCA2 are known to be pathogenic (PMID: 20104584). This variant is not present in population databases (gnomAD no frequency). This premature translational stop signal has been observed in individual(s) with hereditary breast cancer (PMID: 11802209, 15024741, 18489799). This variant is also known as c.6982insT, 6982–6983insT, and c.6982dupT. ClinVar contains an entry for this variant (Variation ID: 52176). For these reasons, this variant has been classified as Pathogenic.

Consortium of Investigators of Modifiers of BRCA1/2 (CIMBA), c/o University of Cambridge
Classification: Pathogenic for Breast-ovarian cancer, familial, susceptibility to, 2. Last evaluated: 2015-10-02. Review status: criteria provided, single submitter. Criteria: CIMBA Mutation Classification guidelines May 2016. Collection method: clinical testing. Allele origin: germline. Not counted in ClinVar's aggregate classification.

CZECANCA consortium
Classification: Pathogenic for Breast and/or ovarian cancer. Last evaluated: 2019-06-11. Review status: no assertion criteria provided. Collection method: clinical testing. Allele origin: germline. Affected: yes. Observed: 2 variant alleles. Not counted in ClinVar's aggregate classification.

Breast Cancer Information Core (BIC) (BRCA2)
Classification: Pathogenic for Breast-ovarian cancer, familial 2. Last evaluated: 2005-09-27. Review status: no assertion criteria provided. Collection method: clinical testing. Allele origin: germline. Affected: yes. Observed: 1 variant allele. Not counted in ClinVar's aggregate classification.

Literature cited by the submitters: PubMed 20104584 (cited by Labcorp Genetics (formerly Invitae), Labcorp); PubMed 11802209 (cited by Labcorp Genetics (formerly Invitae), Labcorp); PubMed 15024741 (cited by Labcorp Genetics (formerly Invitae), Labcorp and Breast Cancer Information Core (BIC) (BRCA2)); PubMed 18489799 (cited by Labcorp Genetics (formerly Invitae), Labcorp); PubMed 32295079 (cited by CZECANCA consortium).